The following is an entry in ClinVar:

ClinVar aggregate classification (germline): Benign/Likely benign. Review status: criteria provided, multiple submitters, no conflicts (2 of 4 stars). 9 submissions from 9 submitters: Benign (1); Likely benign (7). 1 of the submissions does not count toward it. Last evaluated 2026-03-01.

Conditions:
Lung cancer. Also called: Malignant tumor of lung; Lung cancer, somatic. Identifiers: MedGen C0242379, MONDO:0008903, OMIM 211980.
Hereditary cancer-predisposing syndrome. Also called: Tumor predisposition; Neoplastic Syndromes, Hereditary; Hereditary Cancer Syndrome; Hereditary neoplastic syndrome. Identifiers: Orphanet 140162, MedGen C0027672, MeSH D009386, MONDO:0015356.
EGFR-related lung cancer (EGFR). Identifiers: MedGen CN130014.

Allele frequency attached by ClinVar (database versions not stated): ESP Exome Variant Server 0.00015; ExAC 0.00027; gnomAD 0.00027 and 0.00033; TOPMed 0.00038.
gnomAD v4.1: 321 of 1,614,108 alleles (0.02%); highest among the groups gnomAD compares: Middle Eastern, 0.21%; 2 homozygotes.

Submissions (9):

CeGaT Center for Human Genetics Tuebingen
Classification: Likely benign. Last evaluated: 2026-03-01. Review status: criteria provided, single submitter. Criteria: CeGaT Center For Human Genetics Tuebingen Variant Classification Criteria Version 2. Collection method: clinical testing. Allele origin: germline. Affected: yes. Observed: 10 variant alleles.
Comment: EGFR: BP4, BP7

Labcorp Genetics (formerly Invitae), Labcorp
Classification: Likely benign for EGFR-related lung cancer. Last evaluated: 2026-01-27. Review status: criteria provided, single submitter. Criteria: Invitae Variant Classification Sherloc (09022015). Collection method: clinical testing. Allele origin: germline.

Blueprint Genetics
Classification: Likely benign. Last evaluated: 2024-10-21. Review status: criteria provided, single submitter. Criteria: ACMG Guidelines, 2015. Collection method: clinical testing. Allele origin: germline.

Myriad Genetics, Inc.
Classification: Benign for Lung cancer. Last evaluated: 2024-10-16. Review status: criteria provided, single submitter. Criteria: Myriad Autosomal Dominant, Autosomal Recessive and X-Linked Classification Criteria (2023). Collection method: clinical testing. Allele origin: unknown.
Comment: This variant is considered benign. This variant is a silent/synonymous amino acid change and it is not expected to impact splicing.

Ambry Genetics
Classification: Likely benign for Hereditary cancer-predisposing syndrome. Last evaluated: 2023-12-15. Review status: criteria provided, single submitter. Criteria: Ambry Variant Classification Scheme 2023. Collection method: clinical testing. Allele origin: germline.

KCCC/NGS Laboratory, Kuwait Cancer Control Center
Classification: Likely benign for Lung cancer. Last evaluated: 2023-07-07. Review status: criteria provided, single submitter. Criteria: ACMG Guidelines, 2015. Collection method: clinical testing. Allele origin: germline. Affected: yes.

Sema4
Classification: Likely benign for Hereditary cancer-predisposing syndrome. Last evaluated: 2020-10-09. Review status: criteria provided, single submitter. Criteria: Sema4 Curation Guidelines. Collection method: curation. Allele origin: germline.

Breakthrough Genomics
Classification: Likely benign. Review status: criteria provided, single submitter. Criteria: ACMG Guidelines, 2015. Collection method: not provided. Allele origin: germline. Inheritance: Autosomal recessive inheritance. Affected: yes.

Laboratory for Molecular Medicine, Mass General Brigham Personalized Medicine
Classification: Likely benign. Last evaluated: 2008-03-01. Review status: no assertion criteria provided. Collection method: clinical testing. Allele origin: somatic. Observed: 3 variant alleles. Not counted in ClinVar's aggregate classification.

NM_005228.5(EGFR):c.2355C>T (p.Thr785=)

Genes: EGFR (epidermal growth factor receptor; plus strand), EGFR-AS1 (EGFR antisense RNA 1; minus strand). Cytogenetic location: 7p11.2.
Variant type: single nucleotide variant.
Coding change: c.2355C>T on transcript NM_005228.5 (MANE Select); coding-DNA position 2355, C replaced by T.
Protein change: p.Thr785=; no amino-acid change (threonine 785 retained).
Molecular consequence: synonymous variant. On other transcripts: non-coding transcript variant (1).
Genome position (GRCh38, 1-based): chr7:55,181,364, C>T. VCF-style: chr7-55181364-C-T. GRCh37 (hg19) VCF-style: chr7-55249057-C-T.
Other names: c.2355C>T (NM_005228.4); c.2220C>T, p.Thr740= (NM_001346897.2, NM_001346899.2); c.2355C>T, p.Thr785= (NM_001346898.2); c.2196C>T, p.Thr732= (NM_001346900.2); c.1554C>T, p.Thr518= (NM_001346941.2).
Identifiers: ClinVar variation 45270 (VCV000045270.43), dbSNP rs148188503, ClinGen allele CA135893.